The following is an entry in ClinVar:

NM_000282.4(PCCA):c.923dup (p.Leu308fs)

Gene: PCCA (propionyl-CoA carboxylase subunit alpha; plus strand). Cytogenetic location: 13q32.3.
Variant type: Duplication.
Coding change: c.923dup on transcript NM_000282.4 (MANE Select); coding-DNA position 923, one base duplicated (T; older notation c.923dupT).
Protein change: p.Leu308fs; shifts the reading frame from leucine 308.
Molecular consequence: frameshift variant. On other transcripts: 5 prime UTR variant (3), non-coding transcript variant (5).
Genome position (GRCh38, 1-based): chr13:100,273,204, T duplicated; the last of 7 consecutive T bases (chr13:100,273,198-100,273,204); duplicating any one gives the same sequence. VCF-style (leftmost placement, unchanged base first): chr13-100273197-A-AT. GRCh37 (hg19) VCF-style: chr13-100925451-A-AT.
Other names: c.923dup (NM_000282.3); c.917dupT (NM_000282.3); c.845dup, p.Leu282fs (NM_001127692.3, NM_001352607.2, NM_001352608.2); c.923dup, p.Leu308fs (NM_001178004.2, NM_001352605.2, NM_001352606.2 and 1 more transcripts); c.-23dup (NM_001352610.2, NM_001352611.2, NM_001352612.2); short protein forms L308fs, L282fs.
Identifiers: ClinVar variation 310846 (VCV000310846.33), dbSNP rs573607437, ClinGen allele CA7033453.

ClinVar aggregate classification (germline): Pathogenic. Review status: criteria provided, multiple submitters, no conflicts (2 of 4 stars). 15 submissions from 15 submitters: Pathogenic (11). 4 of the submissions do not count toward it. Last evaluated 2026-08-06.

Conditions:
PCCA-related disorder. Also called: PCCA-related condition.
Propionic acidemia (PROP). Also called: GLYCINEMIA, KETOTIC; HYPERGLYCINEMIA WITH KETOACIDOSIS AND LEUKOPENIA; KETOTIC HYPERGLYCINEMIA. Identifiers: Orphanet 35, MedGen C0268579, MONDO:0011628, OMIM 606054, HP:0003571.

Submissions (15):

OLLIN Analises Genomicas, OLLIN
Classification: Pathogenic for Propionic acidemia. Last evaluated: 2026-08-06. Review status: criteria provided, single submitter. Criteria: ACMG Guidelines 2015 PMID 25741868. Collection method: clinical testing. Allele origin: germline.
Comment: This frameshift variant, located in exon 12 (of 24), has been reported in ClinVar (accession VCV000310846.32) and in gnomAD with an allele frequency of 0.0027%. However, to our knowledge, it has not been reported in the scientific literature. This variant causes a frameshift and introduces a premature stop codon, which is predicted to result in either a truncated protein or degradation of the mRNA via nonsense-mediated decay (NMD). According to the currently available evidence, this variant has been classified as pathogenic (PVS1, PM2_P, PM3).

PreventionGenetics, part of Exact Sciences
Classification: Pathogenic for PCCA-related condition. Last evaluated: 2026-03-31. Review status: criteria provided, single submitter. Criteria: ACMG Guidelines, 2015. Collection method: clinical testing. Allele origin: germline.
Comment: The PCCA c.923dupT variant is predicted to result in a frameshift and premature protein termination (p.Leu308Phefs*35). This variant was reported in multiple individuals with propionic acidemia (see example: reported as 917–923insT in Table 2, Perez et al. 2003. PubMed ID: 12559849; Cappuccio et al. 2016. PubMed ID: 27900673). This variant is reported in 0.0097% of alleles in individuals of Ashkenazi Jewish descent in gnomAD. Frameshift variants in PCCA are expected to be pathogenic. This variant is interpreted as pathogenic.

Labcorp Genetics (formerly Invitae), Labcorp
Classification: Pathogenic for Propionic acidemia. Last evaluated: 2025-10-21. Review status: criteria provided, single submitter. Criteria: Invitae Variant Classification Sherloc (09022015). Collection method: clinical testing. Allele origin: germline.
Comment: This sequence change creates a premature translational stop signal (p.Leu308Phefs*35) in the PCCA gene. It is expected to result in an absent or disrupted protein product. Loss-of-function variants in PCCA are known to be pathogenic (PMID: 15464417). This variant is present in population databases (rs573607437, gnomAD 0.01%). This premature translational stop signal has been observed in individuals with propionic acidemia (PMID: 12559849, 20549364, 22033733, 27900673). This variant is also known as 917-923insT F307fs. ClinVar contains an entry for this variant (Variation ID: 310846). For these reasons, this variant has been classified as Pathogenic.

Revvity Omics, Revvity
Classification: Pathogenic for Propionic acidemia. Last evaluated: 2025-03-26. Review status: criteria provided, single submitter. Criteria: ACMG Guidelines, 2015. Collection method: clinical testing. Allele origin: germline.

3billion
Classification: Pathogenic for Propionic acidemia. Last evaluated: 2025-03-06. Review status: criteria provided, single submitter. Criteria: ACMG Guidelines, 2015. Collection method: clinical testing. Allele origin: germline. Affected: yes.
Comment: The variant is observed at an extremely low frequency in the gnomAD v4.1.0 dataset (total allele frequency: 0.003%). Predicted Consequence/Location: Frameshift: predicted to result in a loss or disruption of normal protein function through nonsense-mediated decay (NMD) or protein truncation. Multiple pathogenic variants are reported downstream of the variant. The variant has been reported at least twice as pathogenic with clinical assertions and evidence for the classification (ClinVar ID: VCV000310846 /PMID: 12559849). Therefore, this variant is classified as Pathogenic according to the recommendation of ACMG/AMP guideline.

Natera, Inc.
Classification: Pathogenic for Propionic acidemia. Last evaluated: 2025-03-03. Review status: criteria provided, single submitter. Criteria: Natera Variant Classification Schema (03/2026). Collection method: clinical testing. Allele origin: germline.
Comment: The c.923dupT variant in PCCA is a frameshift variant predicted to shift the reading frame beginning at codon 308 and leads to a stop codon 35 codons downstream. This variant is expected to result in nonsense mediated decay, truncation, or a dysfunctional protein product. This variant is rare in the general population with a frequency below the threshold expected for the associated phenotype(s). This variant has been observed in one or more individuals affected with the associated recessive disease, as either homozygous or compound heterozygous with a second variant (PMID: 15059621, 32231837, 2054936). Given the available evidence, this variant is classified as Pathogenic.

Baylor Genetics
Classification: Pathogenic for Propionic acidemia. Last evaluated: 2024-02-20. Review status: criteria provided, single submitter. Criteria: ACMG Guidelines, 2015. Collection method: clinical testing. Allele origin: unknown.

Laboratorio de Genetica e Diagnostico Molecular, Hospital Israelita Albert Einstein
Classification: Pathogenic for Propionic acidemia. Last evaluated: 2023-05-17. Review status: criteria provided, single submitter. Criteria: ACMG Guidelines, 2015. Collection method: clinical testing. Allele origin: germline. Affected: yes.
Comment: ACMG classification criteria: PVS1 very strong, PM2 supporting, PM3 very strong

Fulgent Genetics
Classification: Pathogenic for Propionic acidemia. Last evaluated: 2022-02-16. Review status: criteria provided, single submitter. Criteria: ACMG Guidelines, 2015. Collection method: clinical testing. Allele origin: unknown.

Women's Health and Genetics/Laboratory Corporation of America, LabCorp
Classification: Pathogenic for Propionic acidemia. Last evaluated: 2019-06-25. Review status: criteria provided, single submitter. Criteria: LabCorp Variant Classification Summary - May 2015. Collection method: clinical testing. Allele origin: germline.
Comment: Variant summary: PCCA c.923dupT (p.Leu308PhefsX35) results in a premature termination codon, predicted to cause a truncation of the encoded protein or absence of the protein due to nonsense mediated decay, which are commonly known mechanisms for disease. A truncation downstream of this position has been classified as pathogenic by our laboratory (c.937C>T, p.Arg313X). The variant allele was found at a frequency of 3.2e-05 in 250614 control chromosomes. The variant, c.923dupT, has been reported in the literature in multiple individuals affected with Propionic Acidemia (Perez_2003, Yang_2004). These data indicate that the variant is very likely to be associated with disease. To our knowledge, no experimental evidence demonstrating an impact on protein function has been reported. One submitter have provided clinical-significance assessments for this variant to ClinVar after 2014 without evidence for independent evaluation and classified the variant as pathogenic. Based on the evidence outlined above, the variant was classified as pathogenic.

Illumina Laboratory Services, Illumina
Classification: Pathogenic for Propionic acidemia. Last evaluated: 2019-04-05. Review status: criteria provided, single submitter. Criteria: ICSL Variant Classification Criteria 09 May 2019. Collection method: clinical testing. Allele origin: germline.
Comment: The PCCA c.923dupT (p.Leu308PhefsTer35) variant results in a frameshift, and is predicted to result in premature termination of the protein. The p.Leu308PhefsTer35 variant has been reported in at least four studies in which it was identified in a total of 10 individuals affected with propionic acidemia, including in three in a homozygous state and in seven in a compound heterozygous state (Yang et al. 2004; Gallego-Villar et al. 2013; Witters et al. 2016; Molema et al. 2018). Control data are unavailable for the variant which is reported at a frequency of 0.000062 in the European (non-Finnish) population of the Genome Aggregation Database. Based on the collective evidence, the p.Leu308PhefsTer35 variant is classified as pathogenic for propionic acidemia. This variant was observed by ICSL as part of a predisposition screen in an ostensibly healthy population.

Laboratory of Metabolic Disorders, Peking University First Hospital
Classification: Pathogenic for Propionic acidemia. Last evaluated: 2019-05-08. Review status: no assertion criteria provided. Collection method: clinical testing. Allele origin: inherited. Affected: yes. Not counted in ClinVar's aggregate classification.

Counsyl
Classification: Pathogenic for Propionic acidemia. Last evaluated: 2017-11-13. Review status: no assertion criteria provided. Collection method: clinical testing. Allele origin: unknown. Not counted in ClinVar's aggregate classification.

Clinical Genetics DNA and cytogenetics Diagnostics Lab, Erasmus MC, Erasmus Medical Center
Classification: Pathogenic. Review status: no assertion criteria provided. Collection method: clinical testing. Allele origin: germline. Affected: yes. Study: VKGL Data-share Consensus. Not counted in ClinVar's aggregate classification.

Diagnostic Laboratory, Department of Genetics, University Medical Center Groningen
Classification: Pathogenic. Review status: no assertion criteria provided. Collection method: clinical testing. Allele origin: germline. Affected: yes. Study: VKGL Data-share Consensus. Not counted in ClinVar's aggregate classification.

Literature cited by the submitters: PubMed 15464417 (cited by Labcorp Genetics (formerly Invitae), Labcorp); PubMed 12559849 (cited by 4 submitters); PubMed 20549364 (cited by Labcorp Genetics (formerly Invitae), Labcorp and Counsyl); PubMed 22033733 (cited by Labcorp Genetics (formerly Invitae), Labcorp); PubMed 27900673 (cited by Labcorp Genetics (formerly Invitae), Labcorp); PubMed 15059621 (cited by 4 submitters); PubMed 32231837 (cited by Natera, Inc.); PubMed 2054936 (cited by Natera, Inc.); PubMed 23053474 (cited by Illumina Laboratory Services, Illumina and Counsyl); PubMed 27825584 (cited by Illumina Laboratory Services, Illumina); PubMed 30159853 (cited by Illumina Laboratory Services, Illumina).